The following is an entry in ClinVar:

ClinVar aggregate classification (germline): Conflicting classifications of pathogenicity. Review status: criteria provided, conflicting classifications (1 of 4 stars). 3 submissions from 3 submitters: Uncertain significance (1); Likely benign (2). Last evaluated 2025-10-21.

Conditions:
KBG syndrome (KBGS). Also called: ANKRD11-Related KBG Syndrome. Identifiers: Orphanet 2332, MedGen C0220687, MONDO:0007846, OMIM 148050.

Allele frequency attached by ClinVar (database versions not stated): gnomAD 0.00002 and 0.00003; TOPMed 0.00004; gnomAD exomes 0.00005; ExAC 0.00006.
gnomAD v4.1: 37 of 1,613,980 alleles (0.0023%); highest among the groups gnomAD compares: Admixed American, 0.013%; no homozygotes.

Submissions (3):

Labcorp Genetics (formerly Invitae), Labcorp
Classification: Uncertain significance for KBG syndrome. Last evaluated: 2025-10-21. Review status: criteria provided, single submitter. Criteria: Invitae Variant Classification Sherloc (09022015). Collection method: clinical testing. Allele origin: germline.
Comment: This sequence change replaces alanine, which is neutral and non-polar, with threonine, which is neutral and polar, at codon 531 of the ANKRD11 protein (p.Ala531Thr). This variant is present in population databases (rs756332789, gnomAD 0.01%). This variant has not been reported in the literature in individuals affected with ANKRD11-related conditions. ClinVar contains an entry for this variant (Variation ID: 1176362). Invitae Evidence Modeling of protein sequence and biophysical properties (such as structural, functional, and spatial information, amino acid conservation, physicochemical variation, residue mobility, and thermodynamic stability) indicates that this missense variant is not expected to disrupt ANKRD11 protein function with a negative predictive value of 95%. In summary, the available evidence is currently insufficient to determine the role of this variant in disease. Therefore, it has been classified as a Variant of Uncertain Significance.

Laboratory of Genetics, Children's Clinical University Hospital Latvia
Classification: Likely benign. Last evaluated: 2025-02-16. Review status: criteria provided, single submitter. Criteria: ACMG Guidelines, 2015. Collection method: clinical testing. Allele origin: germline. Affected: yes.

CeGaT Center for Human Genetics Tuebingen
Classification: Likely benign. Last evaluated: 2021-02-01. Review status: criteria provided, single submitter. Criteria: CeGaT Center For Human Genetics Tuebingen Variant Classification Criteria Version 2. Collection method: clinical testing. Allele origin: germline. Affected: yes. Observed: 1 variant allele.

NM_013275.6(ANKRD11):c.1591G>A (p.Ala531Thr)

Gene: ANKRD11 (ankyrin repeat domain 11; minus strand). Cytogenetic location: 16q24.3.
Variant type: single nucleotide variant.
Coding change: c.1591G>A on transcript NM_013275.6 (MANE Select); coding-DNA position 1591, G replaced by A.
Protein change: p.Ala531Thr; replaces alanine 531 with threonine.
Molecular consequence: missense variant.
Genome position (GRCh38, 1-based): chr16:89,284,951, C>T on the plus strand (G>A on the coding strand, the complement: ANKRD11 is on the minus strand). VCF-style: chr16-89284951-C-T. GRCh37 (hg19) VCF-style: chr16-89351359-C-T.
Other names: c.1591G>A, p.Ala531Thr (NM_001256182.2, NM_001256183.2); short protein forms A531T.
Identifiers: ClinVar variation 1176362 (VCV001176362.43), dbSNP rs756332789, ClinGen allele CA8242736.